The following is an entry in ClinVar:

NM_001035.3(RYR2):c.14311G>A (p.Val4771Ile)

Gene: RYR2 (ryanodine receptor 2; plus strand). Cytogenetic location: 1q43.
Variant type: single nucleotide variant.
Coding change: c.14311G>A on transcript NM_001035.3 (MANE Select); coding-DNA position 14311, G replaced by A.
Protein change: p.Val4771Ile; replaces valine 4771 with isoleucine.
Molecular consequence: missense variant.
Genome position (GRCh38, 1-based): chr1:237,808,913, G>A. VCF-style: chr1-237808913-G-A. GRCh37 (hg19) VCF-style: chr1-237972213-G-A.
Other names: p.V4771I:GTT>ATT; c.14311G>A, p.Val4771Ile (LRG_402t1); short protein forms V4771I.
Identifiers: ClinVar variation 201357 (VCV000201357.63), dbSNP rs794728804, ClinGen allele CA008220.
Genomic context (GRCh38, chr1:237,808,913, plus strand): 5'-GTATGTCCTACATTTCTAATACCTGGTCCTTGTCACATTGTTTTCCAGCTCGTATTAACC[G>A]TTGGCTTATTAGCTGTTGTTGTATACCTATACACTGTGGTGGCATTCAATTTTTTCCGAA-3'
Protein context (NP_001026.2, residues 4761-4781): THNGKQLVLT[Val4771Ile]GLLAVVVYLY

ClinVar aggregate classification (germline): Pathogenic. Review status: criteria provided, multiple submitters, no conflicts (2 of 4 stars). 7 submissions from 7 submitters: Pathogenic (7). Last evaluated 2026-04-24.

Conditions:
RYR2-related disorder. Also called: RYR2-related condition.
Cardiovascular phenotype. Identifiers: MedGen CN230736.
Catecholaminergic polymorphic ventricular tachycardia 1. Also called: VENTRICULAR TACHYCARDIA, CATECHOLAMINERGIC POLYMORPHIC, 1, WITH OR WITHOUT ATRIAL DYSFUNCTION AND/OR DILATED CARDIOMYOPATHY; VENTRICULAR TACHYCARDIA, STRESS-INDUCED POLYMORPHIC 1; RYR2-Related Catecholaminergic Polymorphic Ventricular Tachycardia. Identifiers: Orphanet 3286, MedGen C1631597, MONDO:0011484, OMIM 604772.

Allele frequency attached by ClinVar (database versions not stated): gnomAD 0.00001.
gnomAD v4.1: 1 of 1,613,410 alleles (0.000062%); highest among the groups gnomAD compares: Non-Finnish European, 0.000085%; no homozygotes.

Submissions (7):

School of Biotechnology, University of Jammu
Classification: Pathogenic for Catecholaminergic polymorphic ventricular tachycardia 1. Last evaluated: 2026-04-24. Review status: criteria provided, single submitter. Criteria: Priori et al. (Circulation. 2002). Collection method: research. Allele origin: de novo. Inheritance: Sporadic. Affected: yes. Observed: 1 variant allele, 1 heterozygote.
Comment: The heterozygous NM_001035.3 c.14311G>A, is a missense variant in exon 100 of RYR2 gene that results in the amino acid substitution p.Val4771Ile. The observed variant is a novel allele in gnomAD exomes and genomes, respectively. CPVT can be inherited as an autosomal dominant or recessive trait.

Ambry Genetics
Classification: Pathogenic for Cardiovascular phenotype. Last evaluated: 2025-06-24. Review status: criteria provided, single submitter. Criteria: Ambry Variant Classification Scheme 2023. Collection method: clinical testing. Allele origin: germline.
Comment: The p.V4771I pathogenic mutation (also known as c.14311G>A), located in coding exon 100 of the RYR2 gene, results from a G to A substitution at nucleotide position 14311. The valine at codon 4771 is replaced by isoleucine, an amino acid with highly similar properties. This variant has been detected in individuals with known or suspected catecholaminergic polymorphic ventricular tachycardia, and has been reported as occurring de novo in two cases (Priori SG et al. Circulation. 2002;106(1):69-74; Hayashi M et al. Circulation. 2009;119(18):2426-34; Pott C et al. Europace. 2011;13(6):897-901; Van der Werf C et al. J Am Coll Cardiol. 2011;57(22):2244-54; Jabbari J et al. Circ Cardiovasc Genet. 2013;6(5):481-9; Illikova V et al. J Electrocardiol. 2015;48:150-6; Ohno S et al. PLoS ONE. 2015;10(6):e0131517; McLeod KA et al. Cardiol Young. 2017;27(7):1271-1279; Kapplinger JD et al. Circ Genom Precis Med. 2018;11(2):e001424). The variant was reported to co-segregate with disease features in at least two families (Postma AV et al. J Med Genet. 2005; 42(11):863-70; Kawamura M et al. Circ J. 2013; 77(7):1705-13). Additionally, this variant has been reported as occurring in the channel region, considered to be a mutation "hot spot" (Medeiros-Domingo A et al. J Am Coll Cardiol. 2009;54(22):2065-74). This amino acid position is highly conserved in available vertebrate species. In addition, this alteration is predicted to be deleterious by BayesDel in silico analysis. This variant is considered to be rare based on population cohorts in the Genome Aggregation Database (gnomAD). Based on the supporting evidence, this alteration is interpreted as a disease-causing mutation.

Labcorp Genetics (formerly Invitae), Labcorp
Classification: Pathogenic for Catecholaminergic polymorphic ventricular tachycardia 1. Last evaluated: 2025-05-28. Review status: criteria provided, single submitter. Criteria: Invitae Variant Classification Sherloc (09022015). Collection method: clinical testing. Allele origin: germline.
Comment: This sequence change replaces valine, which is neutral and non-polar, with isoleucine, which is neutral and non-polar, at codon 4771 of the RYR2 protein (p.Val4771Ile). This variant is not present in population databases (gnomAD no frequency). This missense change has been observed in individuals with autosomal dominant catecholaminergic polymorphic ventricular tachycardia (PMID: 12093772, 19926015, 21292648, 23595086, 26114861). It has also been observed to segregate with disease in related individuals. ClinVar contains an entry for this variant (Variation ID: 201357). Invitae Evidence Modeling of protein sequence and biophysical properties (such as structural, functional, and spatial information, amino acid conservation, physicochemical variation, residue mobility, and thermodynamic stability) indicates that this missense variant is expected to disrupt RYR2 protein function with a positive predictive value of 95%. For these reasons, this variant has been classified as Pathogenic.

Clinical Genomics Laboratory, Washington University in St. Louis
Classification: Pathogenic for Catecholaminergic polymorphic ventricular tachycardia 1. Last evaluated: 2025-04-09. Review status: criteria provided, single submitter. Criteria: ACMG Guidelines, 2015. Collection method: clinical testing. Allele origin: germline. Affected: yes.
Comment: The RYR2 c.14311G>A (p.Val4771Ile) variant has been reported in at least 13 unrelated individuals affected with catecholaminergic polymorphic ventricular tachycardia, with at least two reported cases occurring de novo (Hayashi M et al., PMID: 19398665; Illikova V et al., PMID: 25554238; Jabbari J et al., PMID: 24025405; McLeod KA et al., PMID: 28606196; Medeiros-Domingo A et al., PMID: 19926015; Ohno S et al., PMID: 26114861; Pott C et al., PMID: 21292648; Priori SG et al., PMID: 12093772; van der Werf C et al., PMID: 21616285). This variant has also been reported to segregate with disease in five individuals in two families (Kawamura M et al., PMID: 23595086; Postma AV et al., PMID: 16272262). Computational predictors indicate that the variant is damaging, evidence that correlates with impact to RYR2 function. Another variant in the same codon, c.14311G>T (p.Val4771Phe), has been reported and is considered likely pathogenic (ClinVar Variation ID: 2125455). This variant has been reported in the ClinVar database as a germline pathogenic variant by four submitters (ClinVar Variation ID: 201357). Based on available information and the ACMG/AMP guidelines for variant interpretation (Richards S et al., PMID: 25741868), this variant is classified as pathogenic.

Victorian Clinical Genetics Services, Murdoch Childrens Research Institute
Classification: Pathogenic for Catecholaminergic polymorphic ventricular tachycardia 1. Last evaluated: 2023-07-17. Review status: criteria provided, single submitter. Criteria: ACMG Guidelines, 2015. Collection method: clinical testing. Allele origin: germline. Inheritance: Autosomal dominant inheritance. Affected: yes.
Comment: Based on the classification scheme VCGS_Germline_v1.3.4, this variant is classified as Pathogenic. Following criteria are met: 0103 - Dominant negative and gain of function are known mechanisms of disease in this gene and are associated with catecholaminergic polymorphic ventricular tachycardia 1 (MIM#604772) and left ventricular non-compaction (PMIDs: 12459180, 27646203, 29477366, 31875585, 33500567). (I) 0107 - This gene is associated with autosomal dominant disease. (I) 0112 - The condition associated with this gene has incomplete penetrance. Penetrance for CPVT is estimated to be 60-70% (PMID: 23549275). (I) 0200 - Variant is predicted to result in a missense amino acid change from valine to isoleucine. (I) 0251 - This variant is heterozygous. (I) 0302 - Variant is present in gnomAD <0.001 for a dominant condition (v3: 1 heterozygote, 0 homozygotes). (SP) 0502 - Missense variant with conflicting in silico predictions and high conservation. (I) 0602 - Variant is located in a hotspot region or cluster of pathogenic variants (PMID: 19926015). (SP) 0801 - This variant has strong previous evidence of pathogenicity in unrelated individuals. It has been reported in at least ten individuals with CPVT and consistently classified as pathogenic by diagnostic laboratories in ClinVar (PMID: 16272262, 19926015, 21292648, 29453246, 26114861, 33606749). (SP) Legend: (SP) - Supporting pathogenic, (I) - Information, (SB) - Supporting benign

GeneDx
Classification: Pathogenic. Last evaluated: 2023-01-26. Review status: criteria provided, single submitter. Criteria: GeneDx Variant Classification Process June 2021. Collection method: clinical testing. Allele origin: germline. Affected: yes.
Comment: Located in one of the three hot-spot regions of the RYR2 gene, where the majority of pathogenic missense variants occur (Medeiros-Domingo et al., 2009); Not observed at significant frequency in large population cohorts (gnomAD); This variant is associated with the following publications: (PMID: 12093772, 21292648, 21616285, 19398665, 24136861, 29434162, 22383456, 24025405, 15913575, 23022705, 16272262, 25554238, 25651173, 19926015, 26114861, 23595086, 30170228, 28202948, 28237968, 31231889, 31112425)

Blueprint Genetics
Classification: Pathogenic for RYR2-related disorders. Last evaluated: 2022-12-12. Review status: criteria provided, single submitter. Criteria: ACMG Guidelines, 2015. Collection method: clinical testing. Allele origin: germline. Affected: yes. Observed: 2 variant alleles.

Literature cited by the submitters: PubMed 12093772 (cited by Ambry Genetics and Labcorp Genetics (formerly Invitae), Labcorp); PubMed 16272262 (cited by Ambry Genetics and Victorian Clinical Genetics Services, Murdoch Childrens Research Institute); PubMed 19398665 (cited by Ambry Genetics); PubMed 19926015 (cited by 3 submitters); PubMed 21292648 (cited by 3 submitters); PubMed 21616285 (cited by Ambry Genetics); PubMed 23595086 (cited by Ambry Genetics and Labcorp Genetics (formerly Invitae), Labcorp); PubMed 24025405 (cited by Ambry Genetics); PubMed 24136861 (cited by Ambry Genetics); PubMed 25554238 (cited by Ambry Genetics); PubMed 26114861 (cited by 3 submitters); PubMed 28202948 (cited by Ambry Genetics); PubMed 28606196 (cited by Ambry Genetics); PubMed 29453246 (cited by Ambry Genetics and Victorian Clinical Genetics Services, Murdoch Childrens Research Institute); PubMed 12459180 (cited by Victorian Clinical Genetics Services, Murdoch Childrens Research Institute); PubMed 23549275 (cited by Victorian Clinical Genetics Services, Murdoch Childrens Research Institute); PubMed 27646203 (cited by Victorian Clinical Genetics Services, Murdoch Childrens Research Institute); PubMed 29477366 (cited by Victorian Clinical Genetics Services, Murdoch Childrens Research Institute); PubMed 31875585 (cited by Victorian Clinical Genetics Services, Murdoch Childrens Research Institute); PubMed 33500567 (cited by Victorian Clinical Genetics Services, Murdoch Childrens Research Institute); PubMed 33606749 (cited by Victorian Clinical Genetics Services, Murdoch Childrens Research Institute).